The following is an entry in ClinVar:

NM_015259.6(ICOSLG):c.908G>C (p.Ter303Ser)

Gene: ICOSLG (inducible T cell costimulator ligand; minus strand). Cytogenetic location: 21q22.3.
Variant type: single nucleotide variant.
Coding change: c.908G>C on transcript NM_015259.6 (MANE Select); coding-DNA position 908, G replaced by C.
Protein change: p.Ter303Ser.
Molecular consequence: stop lost. On other transcripts: intron variant (1).
Genome position (GRCh38, 1-based): chr21:44,229,035, C>G on the plus strand (G>C on the coding strand, the complement: ICOSLG is on the minus strand). VCF-style: chr21-44229035-C-G. GRCh37 (hg19) VCF-style: chr21-45648918-C-G.
Other names: c.557G>C, p.Ter186Ser (NM_001283051.2); c.653G>C, p.Ter218Ser (NM_001283052.2); c.827G>C, p.Ter276Ser (NM_001365759.2); c.898+1019G>C (NM_001283050.2).
Identifiers: ClinVar variation 1392572 (VCV001392572.8), dbSNP rs746057000, ClinGen allele CA321495008.

ClinVar aggregate classification (germline): Uncertain significance (1 of 4 stars; one submission).

Allele frequency attached by ClinVar (database versions not stated): ExAC 0.00007; gnomAD exomes 0.00007.

Submission:

Labcorp Genetics (formerly Invitae), Labcorp
Classification: Uncertain significance. Last evaluated: 2024-11-19. Review status: criteria provided, single submitter. Criteria: Invitae Variant Classification Sherloc (09022015). Collection method: clinical testing. Allele origin: germline.
Comment: This sequence change disrupts the translational stop signal of the ICOSLG mRNA. It is expected to extend the length of the ICOSLG protein by 59 additional amino acid residues. This variant is present in population databases (rs746057000, gnomAD 0.05%). This variant has not been reported in the literature in individuals affected with ICOSLG-related conditions. ClinVar contains an entry for this variant (Variation ID: 1392572). In summary, the available evidence is currently insufficient to determine the role of this variant in disease. Therefore, it has been classified as a Variant of Uncertain Significance.